The following is an entry in ClinVar:

NM_017763.6(RNF43):c.1320C>T (p.Pro440=)

Gene: RNF43 (ring finger protein 43; minus strand). Cytogenetic location: 17q22.
Variant type: single nucleotide variant.
Coding change: c.1320C>T on transcript NM_017763.6 (MANE Select); coding-DNA position 1320, C replaced by T.
Protein change: p.Pro440=; no amino-acid change (proline 440 retained).
Molecular consequence: synonymous variant.
Genome position (GRCh38, 1-based): chr17:58,358,456, G>A on the plus strand (C>T on the coding strand, the complement: RNF43 is on the minus strand). VCF-style: chr17-58358456-G-A. GRCh37 (hg19) VCF-style: chr17-56435817-G-A.
Other names: c.1320C>T, p.Pro440= (NM_001305544.3); c.939C>T, p.Pro313= (NM_001305545.2).
Identifiers: ClinVar variation 1084279 (VCV001084279.11), dbSNP rs751415799, ClinGen allele CA8673194.

ClinVar aggregate classification (germline): Benign/Likely benign. Review status: criteria provided, multiple submitters, no conflicts (2 of 4 stars). 3 submissions from 3 submitters: Benign (1); Likely benign (2). Last evaluated 2026-07-01.

Conditions:
Sessile serrated polyposis cancer syndrome (SSPCS). Identifiers: Orphanet 157798, MedGen C4310714, MONDO:0014919, OMIM 617108.

Allele frequency attached by ClinVar (database versions not stated): gnomAD exomes 0.00001; TOPMed below 0.00001; ExAC 0.00001; gnomAD 0.00001.
gnomAD v4.1: 7 of 1,613,878 alleles (0.00043%); highest among the groups gnomAD compares: Non-Finnish European, 0.00059%; no homozygotes.

Submissions (3):

Myriad Genetics, Inc.
Classification: Benign for Sessile serrated polyposis cancer syndrome. Last evaluated: 2026-07-01. Review status: criteria provided, single submitter. Criteria: Myriad Autosomal Dominant, Autosomal Recessive and X-Linked Classification Criteria (2023). Collection method: clinical testing. Allele origin: unknown.
Comment: This variant is considered benign. This variant is a silent/synonymous amino acid change and it is not expected to impact splicing.

Ambry Genetics
Classification: Likely benign. Last evaluated: 2024-12-16. Review status: criteria provided, single submitter. Criteria: Ambry Variant Classification Scheme 2023. Collection method: clinical testing. Allele origin: germline.

Labcorp Genetics (formerly Invitae), Labcorp
Classification: Likely benign. Last evaluated: 2022-10-27. Review status: criteria provided, single submitter. Criteria: Invitae Variant Classification Sherloc (09022015). Collection method: clinical testing. Allele origin: germline.